The following is an entry in ClinVar:

ClinVar aggregate classification (germline): Uncertain significance. Review status: criteria provided, multiple submitters, no conflicts (2 of 4 stars). 2 submissions from 2 submitters: Uncertain significance (2). Last evaluated 2023-03-29.

Conditions:
Pheochromocytoma/paraganglioma syndrome 3. Also called: SDHC-Related Hereditary Paraganglioma-Pheochromocytoma Syndrome (Paragangliomas 3); SDHC-Related Hereditary Paraganglioma-Pheochromocytoma Syndrome; GLOMUS TUMORS, FAMILIAL, 3; Paragangliomas 3. Identifiers: Orphanet 29072, MedGen C1854336, MONDO:0011544, OMIM 605373.
Gastrointestinal stromal tumor. Also called: Gastrointestinal stromal tumor, somatic; Gastrointestinal stroma tumor. Identifiers: Orphanet 44890, MedGen C0238198, MeSH D046152, MONDO:0011719, OMIM 606764, HP:0100723.

Submissions (2):

Baylor Genetics
Classification: Uncertain significance for Gastrointestinal stromal tumor. Last evaluated: 2023-03-29. Review status: criteria provided, single submitter. Criteria: ACMG Guidelines, 2015. Collection method: clinical testing. Allele origin: unknown.

Labcorp Genetics (formerly Invitae), Labcorp
Classification: Uncertain significance for Pheochromocytoma/paraganglioma syndrome 3; Gastrointestinal stromal tumor. Last evaluated: 2023-02-26. Review status: criteria provided, single submitter. Criteria: Invitae Variant Classification Sherloc (09022015). Collection method: clinical testing. Allele origin: germline.
Comment: In summary, the available evidence is currently insufficient to determine the role of this variant in disease. Therefore, it has been classified as a Variant of Uncertain Significance. Variants that disrupt the consensus splice site are a relatively common cause of aberrant splicing (PMID: 17576681, 9536098). Algorithms developed to predict the effect of sequence changes on RNA splicing suggest that this variant may disrupt the consensus splice site. ClinVar contains an entry for this variant (Variation ID: 646979). This variant has not been reported in the literature in individuals affected with SDHC-related conditions. This variant is not present in population databases (gnomAD no frequency). This sequence change falls in intron 3 of the SDHC gene. It does not directly change the encoded amino acid sequence of the SDHC protein. It affects a nucleotide within the consensus splice site.

Literature cited by the submitters: PubMed 17576681 (cited by Labcorp Genetics (formerly Invitae), Labcorp); PubMed 9536098 (cited by Labcorp Genetics (formerly Invitae), Labcorp).

NM_003001.5(SDHC):c.179+3A>C

Gene: SDHC (succinate dehydrogenase complex subunit C; plus strand). Cytogenetic location: 1q23.3.
Variant type: single nucleotide variant.
Coding change: c.179+3A>C on transcript NM_003001.5 (MANE Select); 3 bases into the intron after coding-DNA position 179, A replaced by C.
Molecular consequence: intron variant.
Genome position (GRCh38, 1-based): chr1:161,328,500, A>C. VCF-style: chr1-161328500-A-C. GRCh37 (hg19) VCF-style: chr1-161298290-A-C.
Other names: c.68+3A>C (NM_001407119.1, NM_001407120.1); c.179+3A>C (NM_001407115.1, NM_001035511.3); c.77+4830A>C (NM_001035512.3, NM_001278172.3, NM_001407118.1); c.122+3A>C (NM_001407116.1, NM_001407121.1, NM_001407117.1); c.21-12094A>C (NM_001035513.3).
Identifiers: ClinVar variation 646979 (VCV000646979.9), dbSNP rs1571851753, ClinGen allele CA915943645.